The following is an entry in ClinVar:

NM_206933.4(USH2A):c.1766C>T (p.Ser589Phe)

Gene: USH2A (usherin; minus strand). Cytogenetic location: 1q41.
Variant type: single nucleotide variant.
Coding change: c.1766C>T on transcript NM_206933.4 (MANE Select); coding-DNA position 1766, C replaced by T.
Protein change: p.Ser589Phe; replaces serine 589 with phenylalanine.
Molecular consequence: missense variant.
Genome position (GRCh38, 1-based): chr1:216,292,249, G>A on the plus strand (C>T on the coding strand, the complement: USH2A is on the minus strand). VCF-style: chr1-216292249-G-A. GRCh37 (hg19) VCF-style: chr1-216465591-G-A.
Other names: c.1766C>T, p.Ser589Phe (NM_007123.6); short protein forms S589F.
Identifiers: ClinVar variation 5036940 (VCV005036940.1).

ClinVar aggregate classification (germline): Uncertain significance (1 of 4 stars; one submission).

Submission:

GeneDx
Classification: Uncertain significance. Last evaluated: 2026-04-13. Review status: criteria provided, single submitter. Criteria: GeneDx Variant Classification Process June 2021. Collection method: clinical testing. Allele origin: germline.
Comment: Not observed at significant frequency in large population cohorts (gnomAD); In silico analysis supports that this missense variant has a deleterious effect on protein structure/function; Has not been previously published as pathogenic or benign to our knowledge